The following is an entry in ClinVar:

ClinVar aggregate classification (germline): Uncertain significance (1 of 4 stars; one submission).

Allele frequency attached by ClinVar (database versions not stated): gnomAD exomes below 0.00001.

Submission:

Labcorp Genetics (formerly Invitae), Labcorp
Classification: Uncertain significance. Last evaluated: 2023-06-21. Review status: criteria provided, single submitter. Criteria: Invitae Variant Classification Sherloc (09022015). Collection method: clinical testing. Allele origin: germline.
Comment: This sequence change replaces glutamic acid, which is acidic and polar, with lysine, which is basic and polar, at codon 866 of the TAOK2 protein (p.Glu866Lys). This variant is not present in population databases (gnomAD no frequency). This variant has not been reported in the literature in individuals affected with TAOK2-related conditions. An algorithm developed to predict the effect of missense changes on protein structure and function (PolyPhen-2) suggests that this variant is likely to be tolerated. In summary, the available evidence is currently insufficient to determine the role of this variant in disease. Therefore, it has been classified as a Variant of Uncertain Significance.

NM_016151.4(TAOK2):c.2596G>A (p.Glu866Lys)

Gene: TAOK2 (TAO kinase 2; plus strand). Cytogenetic location: 16p11.2.
Variant type: single nucleotide variant.
Coding change: c.2596G>A on transcript NM_016151.4 (MANE Select); coding-DNA position 2596, G replaced by A.
Protein change: p.Glu866Lys; replaces glutamic acid 866 with lysine.
Molecular consequence: missense variant. On other transcripts: intron variant (1).
Genome position (GRCh38, 1-based): chr16:29,986,868, G>A. VCF-style: chr16-29986868-G-A. GRCh37 (hg19) VCF-style: chr16-29998189-G-A.
Other names: c.2257G>A, p.Glu753Lys (NM_001252043.2); c.2232+364G>A (NM_004783.4); short protein forms E866K, E753K.
Identifiers: ClinVar variation 2732419 (VCV002732419.3), dbSNP rs2543665099, ClinGen allele CA395493029.